The following is an entry in ClinVar:

NM_030957.4(ADAMTS10):c.1900+2T>G

Gene: ADAMTS10 (ADAM metallopeptidase with thrombospondin type 1 motif 10; minus strand). Cytogenetic location: 19p13.2.
Variant type: single nucleotide variant.
Coding change: c.1900+2T>G on transcript NM_030957.4 (MANE Select); the canonical splice donor site of the intron after coding-DNA position 1900, T replaced by G.
Molecular consequence: splice donor variant.
Genome position (GRCh38, 1-based): chr19:8,589,887, A>C on the plus strand (T>G on the coding strand, the complement: ADAMTS10 is on the minus strand). VCF-style: chr19-8589887-A-C. GRCh37 (hg19) VCF-style: chr19-8654771-A-C.
Other names: c.372+2T>G (NM_001282352.2).
Identifiers: ClinVar variation 4765985 (VCV004765985.1).
Genomic context (GRCh38, chr19:8,589,887, plus strand): 5'-GCTGCTGGACACTCCCACGGCTGCCCTTCACGGCCCCACAGCCTTTGGAGTCCCACACTC[A>C]CCTCCCCGGTACGTTTTCCACTTGTAGAATTTCCCACGGAAAGGGATGCTGTCAAATTCA-3'

ClinVar aggregate classification (germline): Likely pathogenic (1 of 4 stars; one submission).

gnomAD v4.1: 2 of 1,613,014 alleles (0.00012%); highest among the groups gnomAD compares: Admixed American, 0.0033%; no homozygotes.

Submission:

Labcorp Genetics (formerly Invitae), Labcorp
Classification: Likely pathogenic. Last evaluated: 2025-11-28. Review status: criteria provided, single submitter. Criteria: Invitae Variant Classification Sherloc (09022015). Collection method: clinical testing. Allele origin: germline.
Comment: This sequence change affects a donor splice site in intron 16 of the ADAMTS10 gene. It is expected to disrupt RNA splicing. Variants that disrupt the donor or acceptor splice site typically lead to a loss of protein function (PMID: 16199547), and loss-of-function variants in ADAMTS10 are known to be pathogenic (PMID: 15368195, 18567016). This variant is present in population databases (rs782247946, gnomAD 0.003%). This variant has not been reported in the literature in individuals affected with ADAMTS10-related conditions. Algorithms developed to predict the effect of sequence changes on RNA splicing suggest that this variant may disrupt the consensus splice site. In summary, the currently available evidence indicates that the variant is pathogenic, but additional data are needed to prove that conclusively. Therefore, this variant has been classified as Likely Pathogenic.

Literature cited by the submitters: PubMed 16199547; PubMed 15368195; PubMed 18567016.